The following is an entry in ClinVar:

NM_000892.5(KLKB1):c.603C>T (p.Cys201=)

Gene: KLKB1 (kallikrein B1; plus strand). Cytogenetic location: 4q35.2.
Variant type: single nucleotide variant.
Coding change: c.603C>T on transcript NM_000892.5 (MANE Select); coding-DNA position 603, C replaced by T.
Protein change: p.Cys201=; no amino-acid change (cysteine 201 retained).
Molecular consequence: synonymous variant. On other transcripts: 5 prime UTR variant (1).
Genome position (GRCh38, 1-based): chr4:186,250,247, C>T. VCF-style: chr4-186250247-C-T. GRCh37 (hg19) VCF-style: chr4-187171401-C-T.
Other names: c.489C>T, p.Cys163= (NM_001318394.2); c.-35C>T (NM_001318396.2).
Identifiers: ClinVar variation 3352679 (VCV003352679.1).

ClinVar aggregate classification (germline): Likely benign (0 of 4 stars; one submission).

Conditions:
KLKB1-related disorder. Also called: KLKB1-related condition.

gnomAD v4.1: 16 of 1,613,908 alleles (0.00099%); highest among the groups gnomAD compares: African/African-American, 0.017%; no homozygotes.

Submission:

PreventionGenetics, part of Exact Sciences
Classification: Likely benign for KLKB1-related condition. Last evaluated: 2019-05-02. Review status: no assertion criteria provided. Collection method: clinical testing. Allele origin: germline.
Comment: This variant is classified as likely benign based on ACMG/AMP sequence variant interpretation guidelines (Richards et al. 2015 PMID: 25741868, with internal and published modifications).